The following is an entry in ClinVar:

ClinVar aggregate classification (germline): Likely pathogenic (1 of 4 stars; one submission).

Conditions:
GM1 gangliosidosis. Identifiers: Orphanet 354, MedGen C0085131, MONDO:0018149.
Mucopolysaccharidosis, MPS-IV-B (MPS4B). Also called: MORQUIO SYNDROME B; Mucopolysaccharidosis type IVB (Morquio); MPS IVB; Mucopolysaccharidosis type IV B; Mucopolysaccharidosis Type IVB; Mucopolysaccharidosis type 4B. Identifiers: Orphanet 309310, Orphanet 582, MedGen C0086652, MONDO:0009660, OMIM 253010.

Submission:

Labcorp Genetics (formerly Invitae), Labcorp
Classification: Likely pathogenic for Mucopolysaccharidosis, MPS-IV-B; GM1 gangliosidosis. Last evaluated: 2025-12-19. Review status: criteria provided, single submitter. Criteria: Invitae Variant Classification Sherloc (09022015). Collection method: clinical testing. Allele origin: germline.
Comment: This sequence change replaces glycine, which is neutral and non-polar, with alanine, which is neutral and non-polar, at codon 438 of the GLB1 protein (p.Gly438Ala). This variant is not present in population databases (gnomAD no frequency). This variant has not been reported in the literature in individuals affected with GLB1-related conditions. Invitae Evidence Modeling of protein sequence and biophysical properties (such as structural, functional, and spatial information, amino acid conservation, physicochemical variation, residue mobility, and thermodynamic stability) indicates that this missense variant is expected to disrupt GLB1 protein function with a positive predictive value of 95%. This variant disrupts the p.Gly438 amino acid residue in GLB1. Other variant(s) that disrupt this residue have been determined to be pathogenic (PMID: 10841810, 19472408, 21497194, 23831247, 26646981). This suggests that this residue is clinically significant, and that variants that disrupt this residue are likely to be disease-causing. In summary, the currently available evidence indicates that the variant is pathogenic, but additional data are needed to prove that conclusively. Therefore, this variant has been classified as Likely Pathogenic.

Literature cited by the submitters: PubMed 10841810; PubMed 19472408; PubMed 21497194; PubMed 23831247; PubMed 26646981.

NM_000404.4(GLB1):c.1313G>C (p.Gly438Ala)

Gene: GLB1 (galactosidase beta 1; minus strand). Cytogenetic location: 3p22.3.
Variant type: single nucleotide variant.
Coding change: c.1313G>C on transcript NM_000404.4 (MANE Select); coding-DNA position 1313, G replaced by C.
Protein change: p.Gly438Ala; replaces glycine 438 with alanine.
Molecular consequence: missense variant.
Genome position (GRCh38, 1-based): chr3:33,018,482, C>G on the plus strand (G>C on the coding strand, the complement: GLB1 is on the minus strand). VCF-style: chr3-33018482-C-G. GRCh37 (hg19) VCF-style: chr3-33059974-C-G.
Other names: c.1223G>C, p.Gly408Ala (NM_001079811.3); c.920G>C, p.Gly307Ala (NM_001135602.3); c.1457G>C, p.Gly486Ala (NM_001317040.2); c.1313G>C, p.Gly438Ala (NM_001393580.1); short protein forms G408A, G438A, G486A, G307A.
Identifiers: ClinVar variation 4789512 (VCV004789512.1).
Genomic context (GRCh38, chr3:33,018,482, plus strand): 5'-ACGCACAGTTCAGAGACGATTCTTACCCCATCCACAGCAACATATGCTCGATCGTGGACT[C>G]CATTGAGGGGTGAAGAGAGAGGTGCTGGGTTGCTGCAATCTTGAGGAAGTGTTGTCCGGT-3'
Protein context (NP_000395.3, residues 428-448): NPAPLSSPLN[Gly438Ala]VHDRAYVAVD